The following is an entry in ClinVar:

NM_001005242.3(PKP2):c.1379-2027_1379-1720del

Gene: PKP2 (plakophilin 2; minus strand). Cytogenetic location: 12p11.21.
Variant type: Deletion.
Coding change: c.1379-2027_1379-1720del on transcript NM_001005242.3 (MANE Select); 2027 bases into the intron before coding-DNA position 1379 through 1720 bases into the intron before coding-DNA position 1379, 308 bases deleted.
Molecular consequence: intron variant. On other transcripts: splice donor variant (2).
Genome position (GRCh38, 1-based): chr12:32,842,925-32,843,232, 308 bases deleted. GRCh37 (hg19): chr12:32,995,876-32,996,183.
Other names: c.1379-2027_1379-1720del (NM_001407156.1, NM_001407155.1, NM_001407161.1); c.1460_1510+257del (NM_004572.4, NM_001407157.1); c.1052-2027_1052-1720del (NM_001407160.1, NM_001407159.1, NM_001407158.1 and 1 more transcripts).
Identifiers: ClinVar variation 4614723 (VCV004614723.1).

ClinVar aggregate classification (germline): Uncertain significance (1 of 4 stars; one submission).

Conditions:
Cardiovascular phenotype. Identifiers: MedGen CN230736.

Submission:

Ambry Genetics
Classification: Uncertain significance for Cardiovascular phenotype. Last evaluated: 2025-10-29. Review status: criteria provided, single submitter. Criteria: Ambry Variant Classification Scheme 2023. Collection method: clinical testing. Allele origin: germline.
Comment: The c.1460_1510+257del308 gross deletion includes at least a portion of coding exon 6 and involves the canonical splice donor site after coding exon 6 of the PKP2 gene. Canonical splice site alterations are typically deleterious in nature, and loss of PKP2 function is an accepted mechanism of disease. However, pathogenicity has not been established for alterations in exon 6 of PKP2. The exon is alternatively spliced, and the predominant isoform in human cardiac tissue, PKP2A, does not include exon 6 (Gandjbakhch E et al. Heart. 2011;97(10):844-9). Since supporting evidence is limited at this time, the clinical significance of this alteration is unclear.